The following is an entry in ClinVar:

NM_152424.4(AMER1):c.1757G>A (p.Arg586Gln)

Gene: AMER1 (APC membrane recruitment protein 1; minus strand). Cytogenetic location: Xq11.2.
Variant type: single nucleotide variant.
Coding change: c.1757G>A on transcript NM_152424.4 (MANE Select); coding-DNA position 1757, G replaced by A.
Protein change: p.Arg586Gln; replaces arginine 586 with glutamine.
Molecular consequence: missense variant.
Genome position (GRCh38, 1-based): chrX:64,191,530, C>T on the plus strand (G>A on the coding strand, the complement: AMER1 is on the minus strand). VCF-style: chrX-64191530-C-T. GRCh37 (hg19) VCF-style: chrX-63411410-C-T.
Other names: c.1757G>A (NM_152424.3); short protein forms R586Q.
Identifiers: ClinVar variation 3686457 (VCV003686457.3).

ClinVar aggregate classification (germline): Uncertain significance. Review status: criteria provided, multiple submitters, no conflicts (2 of 4 stars). 2 submissions from 2 submitters: Uncertain significance (2). Last evaluated 2025-06-04.

Conditions:
Inborn genetic diseases. Identifiers: MedGen C0950123, MeSH D030342.

gnomAD v4.1: 8 of 1,210,590 alleles (0.00066%); highest among the groups gnomAD compares: Admixed American, 0.0044%; no homozygotes.

Submissions (2):

Labcorp Genetics (formerly Invitae), Labcorp
Classification: Uncertain significance. Last evaluated: 2025-06-04. Review status: criteria provided, single submitter. Criteria: Invitae Variant Classification Sherloc (09022015). Collection method: clinical testing. Allele origin: germline.
Comment: This sequence change replaces arginine, which is basic and polar, with glutamine, which is neutral and polar, at codon 586 of the AMER1 protein (p.Arg586Gln). This variant is not present in population databases (gnomAD no frequency). This variant has not been reported in the literature in individuals affected with AMER1-related conditions. ClinVar contains an entry for this variant (Variation ID: 3686457). An algorithm developed to predict the effect of missense changes on protein structure and function outputs the following: PolyPhen-2: "Benign". The glutamine amino acid residue is found in multiple mammalian species, which suggests that this missense change does not adversely affect protein function. In summary, the available evidence is currently insufficient to determine the role of this variant in disease. Therefore, it has been classified as a Variant of Uncertain Significance.

Ambry Genetics
Classification: Uncertain significance for Inborn genetic diseases. Last evaluated: 2025-05-13. Review status: criteria provided, single submitter. Criteria: Ambry Variant Classification Scheme 2023. Collection method: clinical testing. Allele origin: germline.